The following is an entry in ClinVar:

NM_000256.3(MYBPC3):c.2980C>T (p.Leu994Phe)

Gene: MYBPC3 (myosin binding protein C3; minus strand). Cytogenetic location: 11p11.2.
Variant type: single nucleotide variant.
Coding change: c.2980C>T on transcript NM_000256.3 (MANE Select); coding-DNA position 2980, C replaced by T.
Protein change: p.Leu994Phe; replaces leucine 994 with phenylalanine.
Molecular consequence: missense variant.
Genome position (GRCh38, 1-based): chr11:47,333,936, G>A on the plus strand (C>T on the coding strand, the complement: MYBPC3 is on the minus strand). VCF-style: chr11-47333936-G-A. GRCh37 (hg19) VCF-style: chr11-47355487-G-A.
Other names: p.L994F:CTC>TTC; short protein forms L994F.
Identifiers: ClinVar variation 180992 (VCV000180992.39), dbSNP rs375776406, ClinGen allele CA013248.

ClinVar aggregate classification (germline): Conflicting classifications of pathogenicity. Review status: criteria provided, conflicting classifications (1 of 4 stars). 15 submissions from 14 submitters: Uncertain significance (11); Benign (1); Likely benign (2). 1 of the submissions does not count toward it. Last evaluated 2026-09-11.

Conditions:
MYBPC3-related disorder. Also called: MYBPC3-related disorders; MYBPC3-related condition; MYBPC3-related disease.
Cardiovascular phenotype. Identifiers: MedGen CN230736.
Left ventricular noncompaction 10 (LVNC10). Identifiers: Orphanet 154, Orphanet 54260, MedGen C3715165, MONDO:0014163, OMIM 615396.
Hypertrophic cardiomyopathy 4. Also called: Familial hypertrophic cardiomyopathy 4. Identifiers: MedGen C1861862, MONDO:0007268, OMIM 115197.
Cardiomyopathy (CMYO). Also called: Cardiomyopathies. Identifiers: Orphanet 167848, MedGen C0878544, MONDO:0004994, HP:0001638. Inheritance: Various modes of inheritance.
Hypertrophic cardiomyopathy. Also called: HYPERTROPHIC MYOCARDIOPATHY. Identifiers: Orphanet 217569, MedGen C0007194, MeSH D002312, MONDO:0005045, HP:0001639.

Allele frequency attached by ClinVar (database versions not stated): TOPMed 0.00013; gnomAD 0.00017 and 0.00019; ExAC 0.00021; gnomAD exomes 0.00039 and 0.00007; ESP Exome Variant Server 0.00008.
gnomAD v4.1: 573 of 1,577,622 alleles (0.036%); highest among the groups gnomAD compares: Non-Finnish European, 0.048%; no homozygotes.

Submissions 1 to 9 of 15:

PreventionGenetics, part of Exact Sciences
Classification: Uncertain significance for MYBPC3-related condition. Last evaluated: 2026-09-11. Review status: criteria provided, single submitter. Criteria: ACMG Guidelines, 2015. Collection method: clinical testing. Allele origin: germline.
Comment: The MYBPC3 c.2980C>T variant is predicted to result in the amino acid substitution p.Leu994Phe. This variant has been reported in two related individuals with hypertrophic cardiomyopathy who both also carried a pathogenic variant in MYH7 (Burns et al. 2017. PubMed ID: 28790153). Additionally, this variant has been reported in an individual who experienced sudden unexplained death (Table S3, Lin et al. 2017. PubMed ID: 29247119) and in multiple individuals with MYBPC3-related disease phenotypes (Table S16, Jensson et al. 2023. PubMed ID: 37937776). This variant has conflicting classifications listed in ClinVar ranging from benign to uncertain with it being interpreted as uncertain by the majority of clinical laboratories. At this time, the clinical significance of this variant is uncertain due to the absence of conclusive functional and genetic evidence.

Women's Health and Genetics/Laboratory Corporation of America, LabCorp
Classification: Uncertain significance. Last evaluated: 2026-03-03. Review status: criteria provided, single submitter. Criteria: LabCorp Variant Classification Summary - May 2015. Collection method: clinical testing. Allele origin: germline.
Comment: Variant summary: MYBPC3 c.2980C>T (p.Leu994Phe) results in a non-conservative amino acid change in the encoded protein sequence. Algorithms developed to predict the effect of missense changes on protein structure and function are either unavailable or do not agree on the potential impact of this missense change. The variant allele was found at a frequency of 6.7e-05 in 193172 control chromosomes, predominantly at a frequency of 0.00014 within the Non-Finnish European subpopulation in the gnomAD database. This frequency is not significantly higher than estimated for disease-causing variants in MYBPC3, allowing no conclusion about variant significance. c.2980C>T has been observed in individual(s) affected with Cardiomyopathy, hypertrophic cardiomyopathy, Sudden unexplained death and HCM (Burns_2017, Bagnall_2022, Lin_2017). These report(s) do not provide unequivocal conclusions about association of the variant with Cardiomyopathy. Co-occurrences with other pathogenic variant(s) have been reported (MYH7 c.1954A>G, p.Arg652Gly), providing supporting evidence for a benign role (Burns_2017). To our knowledge, no experimental evidence demonstrating an impact on protein function has been reported. The following publications have been ascertained in the context of this evaluation (PMID: 36252119, 28790153, 29247119). ClinVar contains an entry for this variant (Variation ID: 180992). Based on the evidence outlined above, the variant was classified as uncertain significance.

Labcorp Genetics (formerly Invitae), Labcorp
Classification: Uncertain significance for Hypertrophic cardiomyopathy. Last evaluated: 2026-01-26. Review status: criteria provided, single submitter. Criteria: Invitae Variant Classification Sherloc (09022015). Collection method: clinical testing. Allele origin: germline.
Comment: This sequence change replaces leucine, which is neutral and non-polar, with phenylalanine, which is neutral and non-polar, at codon 994 of the MYBPC3 protein (p.Leu994Phe). This variant is present in population databases (rs375776406, gnomAD 0.02%). This missense change has been observed in individual(s) with hypertrophic cardiomyopathy, dilated cardiomyopathy, and/or suffered sudden unexplained death (PMID: 28790153, 29247119, 34935411, 37652022). ClinVar contains an entry for this variant (Variation ID: 180992). An algorithm developed to predict the effect of missense changes on protein structure and function (PolyPhen-2) suggests that this variant is likely to be disruptive. In summary, the available evidence is currently insufficient to determine the role of this variant in disease. Therefore, it has been classified as a Variant of Uncertain Significance.

Ambry Genetics
Classification: Uncertain significance for Cardiovascular phenotype. Last evaluated: 2025-12-30. Review status: criteria provided, single submitter. Criteria: Ambry Variant Classification Scheme 2023. Collection method: clinical testing. Allele origin: germline.
Comment: The c.2980C>T (p.L994F) alteration is located in exon 28 (coding exon 28) of the MYBPC3 gene. This alteration results from a C to T substitution at nucleotide position 2980, causing the leucine (L) at amino acid position 994 to be replaced by a phenylalanine (F). Based on data from gnomAD, the T allele has an overall frequency of 0.009% (19/224572) total alleles studied. The highest observed frequency was 0.016% (16/98514) of European (non-Finnish) alleles. Based on insufficient or conflicting evidence, the clinical significance of this alteration remains unclear.

Color Diagnostics, LLC DBA Color Health
Classification: Likely benign for Cardiomyopathy. Last evaluated: 2025-03-31. Review status: criteria provided, single submitter. Criteria: ACMG Guidelines, 2015. Collection method: clinical testing. Allele origin: germline.

All of Us Research Program, National Institutes of Health
Classification: Uncertain significance for Hypertrophic cardiomyopathy. Last evaluated: 2024-09-23. Review status: criteria provided, single submitter. Criteria: ACMG Guidelines, 2015. Collection method: clinical testing. Allele origin: germline. Inheritance: Autosomal dominant inheritance. Observed: 72 variant alleles, 72 heterozygotes.
Comment: This missense variant replaces leucine with phenylalanine at codon 994 of the MYBPC3 protein. Computational prediction suggests that this variant may not impact protein structure and function (internally defined REVEL score threshold <= 0.5, PMID: 27666373). To our knowledge, functional studies have not been reported for this variant. This variant has been reported in an individual affected with hypertrophic cardiomyopathy (PMID: 28790153); this individual also carried a pathogenic variant in the MYH7 gene that could explain the observed phenotype. This variant has also been reported in the cohort of sudden unexplained deaths (PMID: 29247119) and in a case of pediatric dilated cardiomyopathy (PMID: 34935411). This variant has been identified in 19/224572 chromosomes in the general population by the Genome Aggregation Database (gnomAD). The available evidence is insufficient to determine the role of this variant in disease conclusively. Therefore, this variant is classified as a Variant of Uncertain Significance.

This study involves interpretation of variants in research participants for the purpose of population health screening. Participant phenotype was not available at the time of variant classification. Additional details can be found in publication PMID: 35346344, PMCID: PMC8962531

Blueprint Genetics
Classification: Likely benign. Last evaluated: 2024-08-20. Review status: criteria provided, single submitter. Criteria: ACMG Guidelines, 2015. Collection method: clinical testing. Allele origin: germline.

GeneDx
Classification: Uncertain significance. Last evaluated: 2024-05-22. Review status: criteria provided, single submitter. Criteria: GeneDx Variant Classification Process June 2021. Collection method: clinical testing. Allele origin: germline. Affected: yes.
Comment: Identified in patients with HCM and sudden unexplained death in published literature; at least one family also harbored a pathogenic variant in the MYH7 gene (PMID: 37652022, 36252119, 29247119, 28790153); In silico analysis supports that this missense variant does not alter protein structure/function; This variant is associated with the following publications: (PMID: 24510615, 22958901, 29247119, 37652022, 36252119, 28790153, 37937776)

CHEO Genetics Diagnostic Laboratory, Children's Hospital of Eastern Ontario
Classification: Uncertain significance for Cardiomyopathy. Last evaluated: 2023-05-16. Review status: criteria provided, single submitter. Criteria: ACMG Guidelines, 2015. Collection method: clinical testing. Allele origin: germline.